The following is an entry in ClinVar:

ClinVar aggregate classification (germline): Uncertain significance (1 of 4 stars; one submission).

Conditions:
Inborn genetic diseases. Identifiers: MedGen C0950123, MeSH D030342.

Submission:

Ambry Genetics
Classification: Uncertain significance for Inborn genetic diseases. Last evaluated: 2025-10-16. Review status: criteria provided, single submitter. Criteria: Ambry Variant Classification Scheme 2023. Collection method: clinical testing. Allele origin: germline.
Comment: The p.K4N variant (also known as c.12A>C), located in coding exon 1 of the ASXL1 gene, results from an A to C substitution at nucleotide position 12. The lysine at codon 4 is replaced by asparagine, an amino acid with similar properties. This amino acid position is conserved. In addition, this alteration is predicted to be tolerated by in silico analysis. Based on the available evidence, the clinical significance of this variant remains unclear.

NM_015338.6(ASXL1):c.12A>C (p.Lys4Asn)

Gene: ASXL1 (ASXL transcriptional regulator 1; plus strand). Cytogenetic location: 20q11.21.
Variant type: single nucleotide variant.
Coding change: c.12A>C on transcript NM_015338.6 (MANE Select); coding-DNA position 12, A replaced by C.
Protein change: p.Lys4Asn; replaces lysine 4 with asparagine.
Molecular consequence: missense variant.
Genome position (GRCh38, 1-based): chr20:32,358,787, A>C. VCF-style: chr20-32358787-A-C. GRCh37 (hg19) VCF-style: chr20-30946590-A-C.
Other names: c.12A>C, p.Lys4Asn (NM_001164603.1); short protein forms K4N.
Identifiers: ClinVar variation 4587896 (VCV004587896.1).